The following is an entry in ClinVar:

ClinVar aggregate classification (germline): Conflicting classifications of pathogenicity. Review status: criteria provided, conflicting classifications (1 of 4 stars). 2 submissions from 2 submitters: Uncertain significance (1); Likely benign (1). Last evaluated 2025-12-15.

Conditions:
EGFR-related lung cancer (EGFR). Identifiers: MedGen CN130014.
Hereditary cancer-predisposing syndrome. Also called: Hereditary Cancer Syndrome; Neoplastic Syndromes, Hereditary; Tumor predisposition; Hereditary neoplastic syndrome. Identifiers: Orphanet 140162, MedGen C0027672, MeSH D009386, MONDO:0015356.

Submissions (2):

Labcorp Genetics (formerly Invitae), Labcorp
Classification: Likely benign for EGFR-related lung cancer. Last evaluated: 2025-12-15. Review status: criteria provided, single submitter. Criteria: Invitae Variant Classification Sherloc (09022015). Collection method: clinical testing. Allele origin: germline.

Ambry Genetics
Classification: Uncertain significance for Hereditary cancer-predisposing syndrome. Last evaluated: 2025-07-16. Review status: criteria provided, single submitter. Criteria: Ambry Variant Classification Scheme 2023. Collection method: clinical testing. Allele origin: germline.
Comment: The c.1614G>A variant (also known as p.K538K), located in coding exon 13 of the EGFR gene, results from a G to A substitution at nucleotide position 1614. This nucleotide substitution does not change the amino acid at codon 538. This nucleotide position is not well conserved in available vertebrate species. In silico splice site analysis for this alteration is inconclusive. Based on the available evidence, the clinical significance of this variant remains unclear.

NM_005228.5(EGFR):c.1614G>A (p.Lys538=)

Gene: EGFR (epidermal growth factor receptor; plus strand). Cytogenetic location: 7p11.2.
Variant type: single nucleotide variant.
Coding change: c.1614G>A on transcript NM_005228.5 (MANE Select); coding-DNA position 1614, G replaced by A.
Protein change: p.Lys538=; no amino-acid change (lysine 538 retained).
Molecular consequence: synonymous variant.
Genome position (GRCh38, 1-based): chr7:55,161,614, G>A. VCF-style: chr7-55161614-G-A. GRCh37 (hg19) VCF-style: chr7-55229307-G-A.
Other names: c.1614G>A (NM_005228.3); c.1479G>A, p.Lys493= (NM_001346897.2, NM_001346899.2); c.1614G>A, p.Lys538= (NM_001346898.2, NM_201282.2, NM_201284.2); c.1455G>A, p.Lys485= (NM_001346900.2); c.813G>A, p.Lys271= (NM_001346941.2).
Identifiers: ClinVar variation 1639199 (VCV001639199.9), dbSNP rs2128943032, ClinGen allele CA454970624.